The following is an entry in ClinVar:

NM_005026.5(PIK3CD):c.1863C>T (p.Tyr621=)

Gene: PIK3CD (phosphatidylinositol-4,5-bisphosphate 3-kinase catalytic subunit delta; plus strand). Cytogenetic location: 1p36.22.
Variant type: single nucleotide variant.
Coding change: c.1863C>T on transcript NM_005026.5 (MANE Select); coding-DNA position 1863, C replaced by T.
Protein change: p.Tyr621=; no amino-acid change (tyrosine 621 retained).
Molecular consequence: synonymous variant.
Genome position (GRCh38, 1-based): chr1:9,721,495, C>T. VCF-style: chr1-9721495-C-T. GRCh37 (hg19) VCF-style: chr1-9781553-C-T.
Other names: p.Tyr621=; c.1863C>T (LRG_191t1); c.1860C>T, p.Tyr620= (NM_001350234.2); c.1776C>T, p.Tyr592= (NM_001350235.1).
Identifiers: ClinVar variation 541093 (VCV000541093.39), dbSNP rs151235777, ClinGen allele CA577353.

ClinVar aggregate classification (germline): Benign/Likely benign. Review status: criteria provided, multiple submitters, no conflicts (2 of 4 stars). 5 submissions from 5 submitters: Benign (1); Likely benign (4). Last evaluated 2026-04-01.

Conditions:
Immunodeficiency 14 (IMD14A). Also called: p110-DELTA-ACTIVATING MUTATION CAUSING SENESCENT T CELLS, LYMPHADENOPATHY, AND IMMUNODEFICIENCY; IMMUNODEFICIENCY 14A WITH LYMPHOPROLIFERATION, AUTOSOMAL DOMINANT; Activated PI3K Delta Syndrome Type 1 (APDS1); ACTIVATED PI3K-DELTA SYNDROME 1. Identifiers: Orphanet 397596, Orphanet 693661, MedGen C5907821, MONDO:0014222, OMIM 615513.

Allele frequency attached by ClinVar (database versions not stated): 1000 Genomes Project 0.00020; 1000 Genomes Project 30x 0.00031; gnomAD exomes 0.00088 and 0.00247; ExAC 0.00090; TOPMed 0.00124; gnomAD 0.00134 and 0.00139; ESP Exome Variant Server 0.00208.
gnomAD v4.1: 3,775 of 1,613,746 alleles (0.23%); highest among the groups gnomAD compares: Non-Finnish European, 0.3%; 7 homozygotes.

Submissions (5):

CeGaT Center for Human Genetics Tuebingen
Classification: Likely benign. Last evaluated: 2026-04-01. Review status: criteria provided, single submitter. Criteria: CeGaT Center For Human Genetics Tuebingen Variant Classification Criteria Version 2. Collection method: clinical testing. Allele origin: germline. Affected: yes. Observed: 4 variant alleles.
Comment: PIK3CD: BP4, BS1

Labcorp Genetics (formerly Invitae), Labcorp
Classification: Benign for Activated PI3K-delta syndrome. Last evaluated: 2026-02-04. Review status: criteria provided, single submitter. Criteria: Invitae Variant Classification Sherloc (09022015). Collection method: clinical testing. Allele origin: germline.

Women's Health and Genetics/Laboratory Corporation of America, LabCorp
Classification: Likely benign. Last evaluated: 2026-01-23. Review status: criteria provided, single submitter. Criteria: LabCorp Variant Classification Summary - May 2015. Collection method: clinical testing. Allele origin: germline.

Mayo Clinic Laboratories, Mayo Clinic
Classification: Likely benign. Last evaluated: 2025-08-05. Review status: criteria provided, single submitter. Criteria: ACMG Guidelines, 2015. Collection method: clinical testing. Allele origin: germline. Observed: 4 variant alleles.
Comment: BS1, BS2_supporting, BP4, BP7

Blueprint Genetics
Classification: Likely benign. Last evaluated: 2024-11-06. Review status: criteria provided, single submitter. Criteria: ACMG Guidelines, 2015. Collection method: clinical testing. Allele origin: germline.